The following is an entry in ClinVar:

ClinVar aggregate classification (germline): Uncertain significance. Review status: criteria provided, multiple submitters, no conflicts (2 of 4 stars). 2 submissions from 2 submitters: Uncertain significance (2). Last evaluated 2024-03-21.

Conditions:
Familial cancer of breast. Also called: BREAST CANCER, FAMILIAL; Hereditary breast cancer; hereditary breast carcinoma. Identifiers: Orphanet 227535, MedGen C0346153, MONDO:0016419, OMIM 114480. Disease mechanism: loss of function.
Hereditary cancer-predisposing syndrome. Also called: Tumor predisposition; Hereditary Cancer Syndrome; Neoplastic Syndromes, Hereditary; Hereditary neoplastic syndrome. Identifiers: Orphanet 140162, MedGen C0027672, MeSH D009386, MONDO:0015356.

Submissions (2):

Ambry Genetics
Classification: Uncertain significance for Hereditary cancer-predisposing syndrome. Last evaluated: 2024-03-21. Review status: criteria provided, single submitter. Criteria: Ambry Variant Classification Scheme 2023. Collection method: clinical testing. Allele origin: germline.
Comment: The p.P350S variant (also known as c.1048C>T), located in coding exon 9 of the CHEK2 gene, results from a C to T substitution at nucleotide position 1048. The proline at codon 350 is replaced by serine, an amino acid with similar properties. This amino acid position is highly conserved in available vertebrate species. In addition, this alteration is predicted to be deleterious by in silico analysis. Since supporting evidence is limited at this time, the clinical significance of this alteration remains unclear.

Labcorp Genetics (formerly Invitae), Labcorp
Classification: Uncertain significance for Familial cancer of breast. Last evaluated: 2023-11-22. Review status: criteria provided, single submitter. Criteria: Invitae Variant Classification Sherloc (09022015). Collection method: clinical testing. Allele origin: germline.
Comment: This sequence change replaces proline, which is neutral and non-polar, with serine, which is neutral and polar, at codon 350 of the CHEK2 protein (p.Pro350Ser). This variant is not present in population databases (gnomAD no frequency). This variant has not been reported in the literature in individuals affected with CHEK2-related conditions. ClinVar contains an entry for this variant (Variation ID: 822045). An algorithm developed to predict the effect of missense changes on protein structure and function (PolyPhen-2) suggests that this variant is likely to be disruptive. Algorithms developed to predict the effect of sequence changes on RNA splicing suggest that this variant may disrupt the consensus splice site. In summary, the available evidence is currently insufficient to determine the role of this variant in disease. Therefore, it has been classified as a Variant of Uncertain Significance.

NM_007194.4(CHEK2):c.1048C>T (p.Pro350Ser)

Gene: CHEK2 (checkpoint kinase 2; minus strand). Cytogenetic location: 22q12.1.
Variant type: single nucleotide variant.
Coding change: c.1048C>T on transcript NM_007194.4 (MANE Select); coding-DNA position 1048, C replaced by T.
Protein change: p.Pro350Ser; replaces proline 350 with serine.
Molecular consequence: missense variant. On other transcripts: intron variant (3).
Genome position (GRCh38, 1-based): chr22:28,696,948, G>A on the plus strand (C>T on the coding strand, the complement: CHEK2 is on the minus strand). VCF-style: chr22-28696948-G-A. GRCh37 (hg19) VCF-style: chr22-29092936-G-A.
Other names: c.1177C>T, p.Pro393Ser (NM_001005735.3); c.385C>T, p.Pro129Ser (NM_001257387.3, NM_001437942.1); c.847C>T, p.Pro283Ser (NM_001349956.3); c.1141C>T, p.Pro381Ser (NM_001438293.1); c.1009-1075C>T (NM_145862.3); c.1102-1075C>T (NM_001438295.1); c.1138-1075C>T (NM_001438294.1); short protein forms P350S, P129S, P283S, P393S, P381S.
Identifiers: ClinVar variation 822045 (VCV000822045.10), dbSNP rs876659406, ClinGen allele CA411097686.